The following is an entry in ClinVar:

NC_000003.12:g.169764899T>G

Genes: TERC (telomerase RNA component; minus strand), LOC110806306 (telomerase RNA component (TERC) promoter; plus strand). Cytogenetic location: 3q26.2.
Variant type: single nucleotide variant.
Genome position: GRCh38 VCF-style: chr3-169764899-T-G. GRCh37 (hg19) VCF-style: chr3-169482687-T-G.
Identifiers: ClinVar variation 864546 (VCV000864546.10), dbSNP rs1777962278, ClinGen allele CA436715583.

ClinVar aggregate classification (germline): Uncertain significance (1 of 4 stars; one submission).

Conditions:
Dyskeratosis congenita, autosomal dominant 1 (DKCA1). Also called: Dyskeratosis congenita Scoggins type. Identifiers: Orphanet 1775, MedGen C4551974, MONDO:0007485, OMIM 127550. Inheritance: Variable.

Submission:

Labcorp Genetics (formerly Invitae), Labcorp
Classification: Uncertain significance for Dyskeratosis congenita, autosomal dominant 1. Last evaluated: 2019-03-26. Review status: criteria provided, single submitter. Criteria: Invitae Variant Classification Sherloc (09022015). Collection method: clinical testing. Allele origin: germline.
Comment: In summary, the available evidence is currently insufficient to determine the role of this variant in disease. Therefore, it has been classified as a Variant of Uncertain Significance. This variant is located within the template/pseudoknot domain of the TERC RNA component, which is required for RNA or RNP stability (PMID: 15082312, 21844345). Functional studies testing the effect of this variant on TERC secondary structure or function have not been reported. This variant has not been reported in the literature in individuals with TERC-related conditions. This variant is not present in population databases (ExAC no frequency). This variant occurs in the TERC gene, which encodes an RNA molecule that does not result in a protein product.

Literature cited by the submitters: PubMed 15082312; PubMed 21844345.